The following is an entry in ClinVar:

NM_153717.3(EVC):c.1776+4C>T

Gene: EVC (EvC ciliary complex subunit 1; plus strand). Cytogenetic location: 4p16.2.
Variant type: single nucleotide variant.
Coding change: c.1776+4C>T on transcript NM_153717.3 (MANE Select); 4 bases into the intron after coding-DNA position 1776, C replaced by T.
Molecular consequence: intron variant.
Genome position (GRCh38, 1-based): chr4:5,783,768, C>T. VCF-style: chr4-5783768-C-T. GRCh37 (hg19) VCF-style: chr4-5785495-C-T.
Other names: c.1776+4C>T (NM_001306090.2).
Identifiers: ClinVar variation 3034010 (VCV003034010.5), dbSNP rs761724907, ClinGen allele CA2836243.

ClinVar aggregate classification (germline): Uncertain significance. Review status: criteria provided, multiple submitters, no conflicts (2 of 4 stars). 3 submissions from 3 submitters: Uncertain significance (2). 1 of the submissions does not count toward it. Last evaluated 2024-07-10.

Conditions:
EVC-related disorder. Also called: EVC-related condition; EVC-related disorders.
Ellis-van Creveld syndrome (EVC). Also called: Chondroectodermal dysplasia; MESOECTODERMAL DYSPLASIA. Identifiers: Orphanet 289, MedGen C0013903, MONDO:0009162, OMIM 225500.
Curry-Hall syndrome (WAD). Also called: WEYERS ACRODENTAL DYSOSTOSIS. Identifiers: Orphanet 952, MedGen C0457013, MONDO:0008673, OMIM 193530.

Allele frequency attached by ClinVar (database versions not stated): ExAC 0.00003.
gnomAD v4.1: 67 of 1,605,362 alleles (0.0042%); highest among the groups gnomAD compares: Middle Eastern, 0.017%; no homozygotes.

Submissions (3):

Labcorp Genetics (formerly Invitae), Labcorp
Classification: Uncertain significance for Curry-Hall syndrome; Ellis-van Creveld syndrome. Last evaluated: 2024-07-10. Review status: criteria provided, single submitter. Criteria: Invitae Variant Classification Sherloc (09022015). Collection method: clinical testing. Allele origin: germline.
Comment: This sequence change falls in intron 12 of the EVC gene. It does not directly change the encoded amino acid sequence of the EVC protein. It affects a nucleotide within the consensus splice site. This variant is present in population databases (rs761724907, gnomAD 0.006%). This variant has not been reported in the literature in individuals affected with EVC-related conditions. Variants that disrupt the consensus splice site are a relatively common cause of aberrant splicing (PMID: 17576681, 9536098). Algorithms developed to predict the effect of sequence changes on RNA splicing suggest that this variant is not likely to affect RNA splicing. In summary, the available evidence is currently insufficient to determine the role of this variant in disease. Therefore, it has been classified as a Variant of Uncertain Significance.

ARUP Laboratories, Molecular Genetics and Genomics, ARUP Laboratories
Classification: Uncertain significance. Last evaluated: 2024-04-30. Review status: criteria provided, single submitter. Criteria: ARUP Molecular Germline Variant Investigation Process 2024. Collection method: clinical testing. Allele origin: germline.
Comment: The EVC c.1776+4C>T variant (rs761724907), to our knowledge, is not reported in the medical literature but is reported in ClinVar (Variation ID: 3034010). This variant is found in the general population with an overall allele frequency of 0.004% (10/261814 alleles) in the Genome Aggregation Database (v2.1.1). This is an intronic variant and computational analyses (Alamut Visual Plus v.1.5.1) predict that this variant may impact splicing by weakening the nearby canonical donor splice site. Due to limited information, the clinical significance of this variant is uncertain at this time.

PreventionGenetics, part of Exact Sciences
Classification: Likely benign for EVC-related condition. Last evaluated: 2019-06-10. Review status: no assertion criteria provided. Collection method: clinical testing. Allele origin: germline. Not counted in ClinVar's aggregate classification.
Comment: This variant is classified as likely benign based on ACMG/AMP sequence variant interpretation guidelines (Richards et al. 2015 PMID: 25741868, with internal and published modifications).

Literature cited by the submitters: PubMed 17576681 (cited by Labcorp Genetics (formerly Invitae), Labcorp); PubMed 9536098 (cited by Labcorp Genetics (formerly Invitae), Labcorp).